The following is an entry in ClinVar:

ClinVar aggregate classification (germline): Pathogenic (1 of 4 stars; one submission).

Conditions:
Familial cancer of breast. Also called: BREAST CANCER, FAMILIAL; Hereditary breast cancer; hereditary breast carcinoma. Identifiers: Orphanet 227535, MedGen C0346153, MONDO:0016419, OMIM 114480. Disease mechanism: loss of function.

Submission:

Labcorp Genetics (formerly Invitae), Labcorp
Classification: Pathogenic for Familial cancer of breast. Last evaluated: 2022-10-19. Review status: criteria provided, single submitter. Criteria: Invitae Variant Classification Sherloc (09022015). Collection method: clinical testing. Allele origin: germline.
Comment: This variant is a gross deletion of the genomic region encompassing exon(s) 13 of the PALB2 gene, which includes the termination codon. This deletion extends beyond the assayed region for this gene and therefore may encompass additional genes. While this deletion is not anticipated to lead to nonsense mediated decay, it is expected to alter mRNA translation or result in a truncated protein product. A similar copy number variant has been observed in individual(s) with breast cancer (PMID: 25099575). Algorithms developed to predict the effect of variants on protein structure and function are not available or were not evaluated for this variant. Experimental studies have shown that a similar copy number variant affects PALB2 function (PMID: 19423707). For these reasons, this variant has been classified as Pathogenic.

Literature cited by the submitters: PubMed 25099575; PubMed 19423707.

NC_000016.10:g.(?_23603313)_(23603679_?)del

Gene: PALB2 (partner and localizer of BRCA2; minus strand). Cytogenetic location: 16p12.2.
Variant type: Deletion.
Identifiers: ClinVar variation 831413 (VCV000831413.6).